The following is an entry in ClinVar:

NM_004304.5(ALK):c.683A>G (p.Glu228Gly)

Gene: ALK (ALK receptor tyrosine kinase; minus strand). Cytogenetic location: 2p23.2.
Variant type: single nucleotide variant.
Coding change: c.683A>G on transcript NM_004304.5 (MANE Select); coding-DNA position 683, A replaced by G.
Protein change: p.Glu228Gly; replaces glutamic acid 228 with glycine.
Molecular consequence: missense variant.
Genome position (GRCh38, 1-based): chr2:29,717,682, T>C on the plus strand (A>G on the coding strand, the complement: ALK is on the minus strand). VCF-style: chr2-29717682-T-C. GRCh37 (hg19) VCF-style: chr2-29940548-T-C.
Other names: short protein forms E228G.
Identifiers: ClinVar variation 1358176 (VCV001358176.8), dbSNP rs2148307404, ClinGen allele CA346587824.

ClinVar aggregate classification (germline): Uncertain significance (1 of 4 stars; one submission).

Conditions:
Neuroblastoma, susceptibility to, 3. Also called: ALK-Related Neuroblastic Tumor Susceptibility. Identifiers: Orphanet 635, MedGen C2751681, MONDO:0013083, OMIM 613014.

Submission:

Labcorp Genetics (formerly Invitae), Labcorp
Classification: Uncertain significance for Neuroblastoma, susceptibility to, 3. Last evaluated: 2023-07-12. Review status: criteria provided, single submitter. Criteria: Invitae Variant Classification Sherloc (09022015). Collection method: clinical testing. Allele origin: germline.
Comment: In summary, the available evidence is currently insufficient to determine the role of this variant in disease. Therefore, it has been classified as a Variant of Uncertain Significance. An algorithm developed to predict the effect of missense changes on protein structure and function (PolyPhen-2) suggests that this variant is likely to be tolerated. ClinVar contains an entry for this variant (Variation ID: 1358176). This variant has not been reported in the literature in individuals affected with ALK-related conditions. This variant is not present in population databases (gnomAD no frequency). This sequence change replaces glutamic acid, which is acidic and polar, with glycine, which is neutral and non-polar, at codon 228 of the ALK protein (p.Glu228Gly).